The following is an entry in ClinVar:

NM_133259.4(LRPPRC):c.1370G>C (p.Gly457Ala)

Gene: LRPPRC (leucine rich pentatricopeptide repeat containing; minus strand). Cytogenetic location: 2p21.
Variant type: single nucleotide variant.
Coding change: c.1370G>C on transcript NM_133259.4 (MANE Select); coding-DNA position 1370, G replaced by C.
Protein change: p.Gly457Ala; replaces glycine 457 with alanine.
Molecular consequence: missense variant.
Genome position (GRCh38, 1-based): chr2:43,963,706, C>G on the plus strand (G>C on the coding strand, the complement: LRPPRC is on the minus strand). VCF-style: chr2-43963706-C-G. GRCh37 (hg19) VCF-style: chr2-44190845-C-G.
Other names: short protein forms G457A.
Identifiers: ClinVar variation 1953761 (VCV001953761.5), dbSNP rs1020708693, ClinGen allele CA346679541.

ClinVar aggregate classification (germline): Uncertain significance (1 of 4 stars; one submission).

gnomAD v4.1: 1 of 1,442,314 alleles (0.000069%); highest among the groups gnomAD compares: South Asian, 0.0011%; no homozygotes.

Submission:

Labcorp Genetics (formerly Invitae), Labcorp
Classification: Uncertain significance. Last evaluated: 2024-10-29. Review status: criteria provided, single submitter. Criteria: Invitae Variant Classification Sherloc (09022015). Collection method: clinical testing. Allele origin: germline.
Comment: This sequence change replaces glycine, which is neutral and non-polar, with alanine, which is neutral and non-polar, at codon 457 of the LRPPRC protein (p.Gly457Ala). This variant is present in population databases (no rsID available, gnomAD 0.003%). This variant has not been reported in the literature in individuals affected with LRPPRC-related conditions. ClinVar contains an entry for this variant (Variation ID: 1953761). An algorithm developed to predict the effect of missense changes on protein structure and function (PolyPhen-2) suggests that this variant is likely to be disruptive. In summary, the available evidence is currently insufficient to determine the role of this variant in disease. Therefore, it has been classified as a Variant of Uncertain Significance.